The following is an entry in ClinVar:

NM_175875.5(SIX5):c.1115C>G (p.Pro372Arg)

Genes: SIX5 (SIX homeobox 5; minus strand), LOC107075317 (origin of replication in DMPK trinucleotide repeat region; plus strand). Cytogenetic location: 19q13.32.
Variant type: single nucleotide variant.
Coding change: c.1115C>G on transcript NM_175875.5 (MANE Select); coding-DNA position 1115, C replaced by G.
Protein change: p.Pro372Arg; replaces proline 372 with arginine.
Molecular consequence: missense variant.
Genome position (GRCh38, 1-based): chr19:45,766,844, G>C on the plus strand (C>G on the coding strand, the complement: SIX5 is on the minus strand). VCF-style: chr19-45766844-G-C. GRCh37 (hg19) VCF-style: chr19-46270102-G-C.
Other names: short protein forms P372R.
Identifiers: ClinVar variation 4165658 (VCV004165658.2).
Genomic context (GRCh38, chr19:45,766,844, plus strand): 5'-TCCCCTGTCTGAGGGTCCAGGACCAGAGAGGTCTTGGTCTCGCTGGCCCCCTGAGGGCTG[G>C]GCTGCGGTGGAGGGGCACCCCCGCCCCCAGTGAGCAGCAGCGGGCCCAGGCTGGAGGCCT-3'
Protein context (NP_787071.3, residues 362-382): TGGGGAPPPQ[Pro372Arg]SPQGASETKT

ClinVar aggregate classification (germline): Uncertain significance. Review status: criteria provided, multiple submitters, no conflicts (2 of 4 stars). 2 submissions from 2 submitters: Uncertain significance (2). Last evaluated 2025-12-26.

gnomAD v4.1: 1 of 1,543,392 alleles (0.000065%); no homozygotes.

Submissions (2):

Labcorp Genetics (formerly Invitae), Labcorp
Classification: Uncertain significance. Last evaluated: 2025-12-26. Review status: criteria provided, single submitter. Criteria: Invitae Variant Classification Sherloc (09022015). Collection method: clinical testing. Allele origin: germline.
Comment: This sequence change replaces proline, which is neutral and non-polar, with arginine, which is basic and polar, at codon 372 of the SIX5 protein (p.Pro372Arg). This variant is not present in population databases (gnomAD no frequency). This variant has not been reported in the literature in individuals affected with SIX5-related conditions. ClinVar contains an entry for this variant (Variation ID: 4165658). Invitae Evidence Modeling of protein sequence and biophysical properties (such as structural, functional, and spatial information, amino acid conservation, physicochemical variation, residue mobility, and thermodynamic stability) indicates that this missense variant is not expected to disrupt SIX5 protein function with a negative predictive value of 80%. In summary, the available evidence is currently insufficient to determine the role of this variant in disease. Therefore, it has been classified as a Variant of Uncertain Significance.

Ambry Genetics
Classification: Uncertain significance. Last evaluated: 2025-07-01. Review status: criteria provided, single submitter. Criteria: Ambry Variant Classification Scheme 2023. Collection method: clinical testing. Allele origin: germline.